The following is an entry in ClinVar:

ClinVar aggregate classification (germline): Conflicting classifications of pathogenicity. Review status: criteria provided, conflicting classifications (1 of 4 stars). 2 submissions from 1 submitter: Uncertain significance (1); Likely benign (1). Last evaluated 2018-01-13.

Conditions:
Spherocytosis. Identifiers: MedGen C0553720, HP:0004444.
Hereditary spherocytosis type 1. Also called: Spherocytosis type 1; ANK1-Related Spherocytosis. Identifiers: Orphanet 822, MedGen C2674218, MONDO:0008447, OMIM 182900.

Allele frequency attached by ClinVar (database versions not stated): 1000 Genomes Project 0.00359; TOPMed 0.00360; 1000 Genomes Project 30x 0.00375.

Submissions (2):

Illumina Laboratory Services, Illumina
Classification: Uncertain significance for Spherocytosis. Last evaluated: 2018-01-13. Review status: criteria provided, single submitter. Criteria: ICSL Variant Classification Criteria 13 December 2019. Collection method: clinical testing. Allele origin: germline.

Illumina Laboratory Services, Illumina
Classification: Likely benign for Hereditary spherocytosis type 1. Last evaluated: 2018-01-13. Review status: criteria provided, single submitter. Criteria: ICSL Variant Classification Criteria 13 December 2019. Collection method: clinical testing. Allele origin: germline.
Comment: This variant was observed in the ICSL laboratory as part of a predisposition screen in an ostensibly healthy population. It had not been previously curated by ICSL or reported in the Human Gene Mutation Database (HGMD: prior to June 1st, 2018), and was therefore a candidate for classification through an automated scoring system. Utilizing variant allele frequency, disease prevalence and penetrance estimates, and inheritance mode, an automated score was calculated to assess if this variant is too frequent to cause the disease. Based on the score and internal cut-off values, a variant classified as likely benign is not then subjected to further curation. The score for this variant resulted in a classification of likely benign for this disease.

NM_000037.4(ANK1):c.*1892G>A

Gene: ANK1 (ankyrin 1; minus strand). Cytogenetic location: 8p11.21.
Variant type: single nucleotide variant.
Coding change: c.*1892G>A on transcript NM_000037.4 (MANE Select); 1892 bases downstream of the stop codon, G replaced by A.
Molecular consequence: 3 prime UTR variant.
Genome position (GRCh38, 1-based): chr8:41,653,898, C>T on the plus strand (G>A on the coding strand, the complement: ANK1 is on the minus strand). VCF-style: chr8-41653898-C-T. GRCh37 (hg19) VCF-style: chr8-41511417-C-T.
Other names: c.*1829G>A (NM_001142445.2, NM_001142446.2, NM_020475.3 and 3 more transcripts); c.*1892G>A (NM_020478.5).
Identifiers: ClinVar variation 908704 (VCV000908704.4), dbSNP rs116365681, ClinGen allele CA175909853.